The following is an entry in ClinVar:

ClinVar aggregate classification (germline): Uncertain significance. Review status: criteria provided, multiple submitters, no conflicts (2 of 4 stars). 3 submissions from 3 submitters: Uncertain significance (3). Last evaluated 2025-10-29.

Conditions:
Acrocallosal syndrome (ACLS). Also called: HALLUX DUPLICATION, POSTAXIAL POLYDACTYLY, AND ABSENCE OF CORPUS CALLOSUM; Schinzel syndrome 1; Absence of corpus callosum with unusual facial appearance, mental deficiency, duplication of the halluces and polydactyly. Identifiers: Orphanet 36, MedGen C0796147, MONDO:0008708, OMIM 200990.
Hydrolethalus syndrome 2 (HLS2). Identifiers: Orphanet 2189, MedGen C3279899, MONDO:0013585, OMIM 614120.
Multiple epiphyseal dysplasia, Al-Gazali type. Also called: Macrocephaly with multiple epiphyseal dysplasia and distinctive facies. Identifiers: Orphanet 166024, MedGen C1846722, MONDO:0011778, OMIM 607131.
Inborn genetic diseases. Identifiers: MedGen C0950123, MeSH D030342.

Allele frequency attached by ClinVar (database versions not stated): ExAC 0.00018; 1000 Genomes Project 30x 0.00031; 1000 Genomes Project 0.00040.
gnomAD v4.1: 53 of 1,530,808 alleles (0.0035%); highest among the groups gnomAD compares: South Asian, 0.054%; no homozygotes.

Submissions (3):

Ambry Genetics
Classification: Uncertain significance for Inborn genetic diseases. Last evaluated: 2025-10-29. Review status: criteria provided, single submitter. Criteria: Ambry Variant Classification Scheme 2023. Collection method: clinical testing. Allele origin: germline.

Fulgent Genetics
Classification: Uncertain significance for Acrocallosal syndrome; Multiple epiphyseal dysplasia, Al-Gazali type; Hydrolethalus syndrome 2. Last evaluated: 2024-05-10. Review status: criteria provided, single submitter. Criteria: ACMG Guidelines, 2015. Collection method: clinical testing. Allele origin: germline.

Labcorp Genetics (formerly Invitae), Labcorp
Classification: Uncertain significance for Acrocallosal syndrome. Last evaluated: 2022-08-05. Review status: criteria provided, single submitter. Criteria: Invitae Variant Classification Sherloc (09022015). Collection method: clinical testing. Allele origin: germline.
Comment: In summary, the available evidence is currently insufficient to determine the role of this variant in disease. Therefore, it has been classified as a Variant of Uncertain Significance. Algorithms developed to predict the effect of missense changes on protein structure and function are either unavailable or do not agree on the potential impact of this missense change (SIFT: "Deleterious"; PolyPhen-2: "Benign"; Align-GVGD: "Class C0"). This variant has not been reported in the literature in individuals affected with KIF7-related conditions. This variant is present in population databases (rs543942301, gnomAD 0.07%). This sequence change replaces glycine, which is neutral and non-polar, with glutamic acid, which is acidic and polar, at codon 10 of the KIF7 protein (p.Gly10Glu).

NM_198525.3(KIF7):c.29G>A (p.Gly10Glu)

Gene: KIF7 (kinesin family member 7; minus strand). Cytogenetic location: 15q26.1.
Variant type: single nucleotide variant.
Coding change: c.29G>A on transcript NM_198525.3 (MANE Select); coding-DNA position 29, G replaced by A.
Protein change: p.Gly10Glu; replaces glycine 10 with glutamic acid.
Molecular consequence: missense variant.
Genome position (GRCh38, 1-based): chr15:89,652,902, C>T on the plus strand (G>A on the coding strand, the complement: KIF7 is on the minus strand). VCF-style: chr15-89652902-C-T. GRCh37 (hg19) VCF-style: chr15-90196133-C-T.
Other names: c.29G>A (NM_198525.2); short protein forms G10E.
Identifiers: ClinVar variation 2148362 (VCV002148362.4), dbSNP rs543942301, ClinGen allele CA7728693.